The following is an entry in ClinVar:

ClinVar aggregate classification (germline): Uncertain significance (1 of 4 stars; one submission).

Submission:

Labcorp Genetics (formerly Invitae), Labcorp
Classification: Uncertain significance. Last evaluated: 2022-04-29. Review status: criteria provided, single submitter. Criteria: Invitae Variant Classification Sherloc (09022015). Collection method: clinical testing. Allele origin: germline.
Comment: Algorithms developed to predict the effect of sequence changes on RNA splicing suggest that this variant may disrupt the consensus splice site. This variant has not been reported in the literature in individuals affected with TMEM132E-related conditions. This variant is not present in population databases (gnomAD no frequency). This sequence change affects a donor splice site in intron 2 of the TMEM132E gene. It is expected to disrupt RNA splicing. Variants that disrupt the donor or acceptor splice site typically lead to a loss of protein function (PMID: 16199547), however the current clinical and genetic evidence is not sufficient to establish whether loss-of-function variants in TMEM132E cause disease. In summary, the available evidence is currently insufficient to determine the role of this variant in disease. Therefore, it has been classified as a Variant of Uncertain Significance.

Literature cited by the submitters: PubMed 16199547.

NM_001304438.2(TMEM132E):c.998+2T>C

Gene: TMEM132E (transmembrane protein 132E; plus strand). Cytogenetic location: 17q12.
Variant type: single nucleotide variant.
Coding change: c.998+2T>C on transcript NM_001304438.2 (MANE Select); the canonical splice donor site of the intron after coding-DNA position 998, T replaced by C.
Molecular consequence: splice donor variant.
Genome position (GRCh38, 1-based): chr17:34,627,059, T>C. VCF-style: chr17-34627059-T-C. GRCh37 (hg19) VCF-style: chr17-32954078-T-C.
Identifiers: ClinVar variation 2119414 (VCV002119414.4), dbSNP rs751668474, ClinGen allele CA399071450.